The following is an entry in ClinVar:

ClinVar aggregate classification (germline): Uncertain significance (1 of 4 stars; one submission).

Conditions:
Hypodontia. Also called: Partial congenital absence of teeth; TOOTH AGENESIS, FAMILIAL; Tooth agenesis, selective. Identifiers: Orphanet 99798, MedGen C0020608, MONDO:0005486, HP:0000668. Disease mechanism: loss of function.

Submission:

Labcorp Genetics (formerly Invitae), Labcorp
Classification: Uncertain significance for Hypodontia. Last evaluated: 2023-04-18. Review status: criteria provided, single submitter. Criteria: Invitae Variant Classification Sherloc (09022015). Collection method: clinical testing. Allele origin: germline.
Comment: This variant has not been reported in the literature in individuals affected with PAX9-related conditions. This sequence change replaces histidine, which is basic and polar, with arginine, which is basic and polar, at codon 146 of the PAX9 protein (p.His146Arg). This variant is not present in population databases (gnomAD no frequency). Advanced modeling of protein sequence and biophysical properties (such as structural, functional, and spatial information, amino acid conservation, physicochemical variation, residue mobility, and thermodynamic stability) performed at Invitae indicates that this missense variant is not expected to disrupt PAX9 protein function. In summary, the available evidence is currently insufficient to determine the role of this variant in disease. Therefore, it has been classified as a Variant of Uncertain Significance.

NM_001372076.1(PAX9):c.437A>G (p.His146Arg)

Gene: PAX9 (paired box 9; plus strand). Cytogenetic location: 14q13.3.
Variant type: single nucleotide variant.
Coding change: c.437A>G on transcript NM_001372076.1 (MANE Select); coding-DNA position 437, A replaced by G.
Protein change: p.His146Arg; replaces histidine 146 with arginine.
Molecular consequence: missense variant.
Genome position (GRCh38, 1-based): chr14:36,663,329, A>G. VCF-style: chr14-36663329-A-G. GRCh37 (hg19) VCF-style: chr14-37132534-A-G.
Other names: c.437A>G, p.His146Arg (NM_006194.4); short protein forms H146R.
Identifiers: ClinVar variation 2857478 (VCV002857478.3), dbSNP rs750832505, ClinGen allele CA389466836.
Genomic context (GRCh38, chr14:36,663,329, plus strand): 5'-TTCTGCGCAACAAGATCGGCAACTTGGCCCAGCAGGGTCATTACGACTCATACAAGCAGC[A>G]CCAGCCGACGCCGCAGCCAGCGCTGCCCTACAACCACATCTACTCGTACCCCAGCCCTAT-3'
Protein context (NP_001359005.1, residues 136-156): QQGHYDSYKQ[His146Arg]QPTPQPALPY